The following is an entry in ClinVar:

ClinVar aggregate classification (germline): Pathogenic/Likely pathogenic. Review status: criteria provided, multiple submitters, no conflicts (2 of 4 stars). 3 submissions from 3 submitters: Pathogenic (2); Likely pathogenic (1). Last evaluated 2025-02-11.

Conditions:
ABCA4-related disorder. Also called: ABCA4-related disorders; ABCA4-related condition. Identifiers: MedGen CN239167.

Submissions (3):

3billion
Classification: Pathogenic for ABCA4-related disorder. Last evaluated: 2025-02-11. Review status: criteria provided, single submitter. Criteria: ACMG Guidelines, 2015. Collection method: clinical testing. Allele origin: germline. Affected: yes.
Comment: The variant is not observed in the gnomAD v4.1.0 dataset. Predicted Consequence/Location: Frameshift: predicted to result in a loss or disruption of normal protein function through nonsense-mediated decay (NMD) or protein truncation. Multiple pathogenic variants are reported downstream of the variant. In silico tools predict the variant to alter splicing and produce an abnormal transcript [SpliceAI: 0.22 (spliceogenicity >=0.2, non-spliceogenicity <0.1)]. The variant has been reported to be associated with ABCA4-related disorder (ClinVar ID: VCV001453743). Therefore, this variant is classified as Pathogenic according to the recommendation of ACMG/AMP guideline.

Labcorp Genetics (formerly Invitae), Labcorp
Classification: Pathogenic. Last evaluated: 2023-08-10. Review status: criteria provided, single submitter. Criteria: Invitae Variant Classification Sherloc (09022015). Collection method: clinical testing. Allele origin: germline.
Comment: For these reasons, this variant has been classified as Pathogenic. Algorithms developed to predict the effect of sequence changes on RNA splicing suggest that this variant may disrupt the consensus splice site. ClinVar contains an entry for this variant (Variation ID: 1453743). This variant has not been reported in the literature in individuals affected with ABCA4-related conditions. This variant is not present in population databases (gnomAD no frequency). This sequence change creates a premature translational stop signal (p.Asn1632Metfs*30) in the ABCA4 gene. It is expected to result in an absent or disrupted protein product. Loss-of-function variants in ABCA4 are known to be pathogenic (PMID: 10958761, 24938718, 25312043, 26780318).

Blueprint Genetics
Classification: Likely pathogenic for ABCA4-related disorders. Last evaluated: 2021-09-10. Review status: criteria provided, single submitter. Criteria: ACMG Guidelines, 2015. Collection method: clinical testing. Allele origin: germline. Affected: yes. Observed: 1 variant allele.

Literature cited by the submitters: PubMed 10958761 (cited by Labcorp Genetics (formerly Invitae), Labcorp); PubMed 24938718 (cited by Labcorp Genetics (formerly Invitae), Labcorp); PubMed 25312043 (cited by Labcorp Genetics (formerly Invitae), Labcorp); PubMed 26780318 (cited by Labcorp Genetics (formerly Invitae), Labcorp).

NM_000350.3(ABCA4):c.4895del (p.Asn1632fs)

Genes: ABCA4 (ATP binding cassette subfamily A member 4; minus strand), LOC126805793 (CDK7 strongly-dependent group 2 enhancer GRCh37_chr1:94486302-94487501; plus strand). Cytogenetic location: 1p22.1.
Variant type: Deletion.
Coding change: c.4895del on transcript NM_000350.3 (MANE Select); coding-DNA position 4895, one base deleted (A; older notation c.4895delA).
Protein change: p.Asn1632fs; shifts the reading frame from asparagine 1632.
Molecular consequence: frameshift variant.
Genome position (GRCh38, 1-based): chr1:94,021,363, T deleted on the plus strand (A on the coding strand, the reverse complement: ABCA4 is on the minus strand); the first of 2 consecutive T bases (chr1:94,021,363-94,021,364); deleting either gives the same sequence. VCF-style (leftmost placement, unchanged base first): chr1-94021362-AT-A. GRCh37 (hg19) VCF-style: chr1-94486918-AT-A.
Other names: c.4672delA, p.Asn1558Metfs (NM_001425324.1); short protein forms N1632fs.
Identifiers: ClinVar variation 1453743 (VCV001453743.8), dbSNP rs1571257937, ClinGen allele CA2573132688.